The following is an entry in ClinVar:

NM_001267550.2(TTN):c.18609A>G (p.Arg6203=)

Genes: TTN (titin; minus strand), LOC126806430 (BRD4-independent group 4 enhancer GRCh37_chr2:179593794-179594993; plus strand). Cytogenetic location: 2q31.2.
Variant type: single nucleotide variant.
Coding change: c.18609A>G on transcript NM_001267550.2 (MANE Select); coding-DNA position 18609, A replaced by G.
Protein change: p.Arg6203=; no amino-acid change (arginine 6203 retained).
Molecular consequence: synonymous variant. On other transcripts: intron variant (3).
Genome position (GRCh38, 1-based): chr2:178,729,547, T>C on the plus strand (A>G on the coding strand, the complement: TTN is on the minus strand). VCF-style: chr2-178729547-T-C. GRCh37 (hg19) VCF-style: chr2-179594274-T-C.
Other names: c.14877A>G, p.Arg4959= (NM_133378.4); c.17658A>G, p.Arg5886= (NM_001256850.1); c.13282+8535A>G (NM_003319.4); c.13858+8535A>G (NM_133437.4); c.13657+8535A>G (NM_133432.3).
Identifiers: ClinVar variation 413157 (VCV000413157.20), dbSNP rs777227340, ClinGen allele CA2001575.
Genomic context (GRCh38, chr2:178,729,547, plus strand): 5'-CGTAACTTCACACTCCAGCTCCACGTCACTATATTTTACTACCTCCACAGGCTTCAGCTC[T>C]CTGATAAAGGTGGGGGGTTCTAAAGATTCAAAAGGAAGACAGTAGCTTACTCAAGGGAAG-3'
Protein context (NP_001254479.2, residues 6193-6213): LKVKEPPTFI[Arg6203=]ELKPVEVVKY

ClinVar aggregate classification (germline): Likely benign. Review status: criteria provided, multiple submitters, no conflicts (2 of 4 stars). 2 submissions from 2 submitters: Likely benign (2). Last evaluated 2025-11-24.

Conditions:
Autosomal recessive limb-girdle muscular dystrophy type 2J (LGMDR10). Also called: Limb-girdle muscular dystrophy, type 2J; MUSCULAR DYSTROPHY, LIMB-GIRDLE, AUTOSOMAL RECESSIVE 10. Identifiers: Orphanet 140922, MedGen C1837342, MONDO:0012127, OMIM 608807.
Dilated cardiomyopathy 1G (CMD1G). Identifiers: Orphanet 154, MedGen C1858763, MONDO:0011400, OMIM 604145.

Allele frequency attached by ClinVar (database versions not stated): gnomAD exomes 0.00001 and 0.00002; TOPMed 0.00001; ExAC 0.00002.
gnomAD v4.1: 6 of 1,612,926 alleles (0.00037%); highest among the groups gnomAD compares: Admixed American, 0.01%; no homozygotes.

Submissions (2):

Labcorp Genetics (formerly Invitae), Labcorp
Classification: Likely benign for Dilated cardiomyopathy 1G; Autosomal recessive limb-girdle muscular dystrophy type 2J. Last evaluated: 2025-11-24. Review status: criteria provided, single submitter. Criteria: Invitae Variant Classification Sherloc (09022015). Collection method: clinical testing. Allele origin: germline.

Laboratory for Molecular Medicine, Mass General Brigham Personalized Medicine
Classification: Likely benign. Last evaluated: 2017-01-20. Review status: criteria provided, single submitter. Criteria: LMM Criteria. Collection method: clinical testing. Allele origin: germline. Observed: 1 variant allele.
Comment: p.Arg4959Arg in exon 61 of TTN: This variant is not expected to have clinical si gnificance because it does not alter an amino acid residue and is not located wi thin the splice consensus sequence. It has been identified in 3/11514 Latino chr omosomes by the Exome Aggregation Consortium (ExAC, rg; dbSNP rs777227340).